The following is an entry in ClinVar:

ClinVar aggregate classification (germline): Uncertain significance (1 of 4 stars; one submission).

gnomAD v4.1: 2 of 1,610,728 alleles (0.00012%); highest among the groups gnomAD compares: Non-Finnish European, 0.00017%; no homozygotes.

Submission:

Ambry Genetics
Classification: Uncertain significance. Last evaluated: 2025-07-14. Review status: criteria provided, single submitter. Criteria: Ambry Variant Classification Scheme 2023. Collection method: clinical testing. Allele origin: germline.
Comment: The p.G1983C variant (also known as c.5947G>T), located in coding exon 24 of the WNK2 gene, results from a G to T substitution at nucleotide position 5947. The glycine at codon 1983 is replaced by cysteine, an amino acid with highly dissimilar properties. This amino acid position is conserved. In addition, the in silico prediction for this alteration is inconclusive. Based on the available evidence, the clinical significance of this variant remains unclear.

NM_006648.4(WNK2):c.5947G>T (p.Gly1983Cys)

Gene: WNK2 (WNK lysine deficient protein kinase 2; plus strand). Cytogenetic location: 9q22.31.
Variant type: single nucleotide variant.
Coding change: c.5947G>T on transcript NM_006648.4 (MANE Select); coding-DNA position 5947, G replaced by T.
Protein change: p.Gly1983Cys; replaces glycine 1983 with cysteine.
Molecular consequence: missense variant.
Genome position (GRCh38, 1-based): chr9:93,299,093, G>T. VCF-style: chr9-93299093-G-T. GRCh37 (hg19) VCF-style: chr9-96061375-G-T.
Other names: c.6058G>T, p.Gly2020Cys (NM_001282394.3); short protein forms G1983C, G2020C.
Identifiers: ClinVar variation 4201624 (VCV004201624.1).